The following is an entry in ClinVar:

ClinVar aggregate classification (germline): Uncertain significance (1 of 4 stars; one submission).

Allele frequency attached by ClinVar (database versions not stated): gnomAD exomes below 0.00001.
gnomAD v4.1: 1 of 1,614,154 alleles (0.000062%); highest among the groups gnomAD compares: East Asian, 0.0022%; no homozygotes.

Submission:

GeneDx
Classification: Uncertain significance. Last evaluated: 2019-08-05. Review status: criteria provided, single submitter. Criteria: GeneDx Variant Classification Process June 2021. Collection method: clinical testing. Allele origin: germline. Affected: yes.
Comment: Not observed in large population cohorts (Lek et al., 2016); In silico analysis, which includes protein predictors and evolutionary conservation, supports that this variant does not alter protein structure/function; Has not been previously published as pathogenic or benign to our knowledge

NM_001673.5(ASNS):c.596T>C (p.Val199Ala)

Genes: ASNS (asparagine synthetase (glutamine-hydrolyzing); minus strand), CZ1P-ASNS (CZ1P-ASNS readthrough; minus strand). Cytogenetic location: 7q21.3.
Variant type: single nucleotide variant.
Coding change: c.596T>C on transcript NM_001673.5 (MANE Select); coding-DNA position 596, T replaced by C.
Protein change: p.Val199Ala; replaces valine 199 with alanine.
Molecular consequence: missense variant. On other transcripts: non-coding transcript variant (1).
Genome position (GRCh38, 1-based): chr7:97,859,290, A>G on the plus strand (T>C on the coding strand, the complement: ASNS is on the minus strand). VCF-style: chr7-97859290-A-G. GRCh37 (hg19) VCF-style: chr7-97488602-A-G.
Other names: c.533T>C, p.Val178Ala (NM_001178075.2); c.347T>C, p.Val116Ala (NM_001178076.2, NM_001178077.1); c.596T>C, p.Val199Ala (NM_001352496.2, NM_133436.3, NM_183356.4); short protein forms V116A, V178A, V199A.
Identifiers: ClinVar variation 1307545 (VCV001307545.2), dbSNP rs2115659757, ClinGen allele CA368269721.